The following is an entry in ClinVar:

ClinVar aggregate classification (germline): Pathogenic (1 of 4 stars; one submission).

Conditions:
Hereditary nonpolyposis colorectal neoplasms. Identifiers: MedGen C0009405, MeSH D003123.

Submission:

Labcorp Genetics (formerly Invitae), Labcorp
Classification: Pathogenic for Hereditary nonpolyposis colorectal neoplasms. Last evaluated: 2025-10-07. Review status: criteria provided, single submitter. Criteria: Invitae Variant Classification Sherloc (09022015). Collection method: clinical testing. Allele origin: germline.
Comment: This sequence change affects the initiator codon of the MSH6 mRNA. This change may impact translation initiation or efficiency. The next in-frame methionine is located at codon 100. This variant is not present in population databases (gnomAD no frequency). Disruption of the initiator codon has been observed in individuals with clinical features of Lynch syndrome (PMID: 21520333; internal data). For these reasons, this variant has been classified as Pathogenic.

Literature cited by the submitters: PubMed 21520333.

NM_000179.3(MSH6):c.1A>T (p.Met1Leu)

Gene: MSH6 (mutS homolog 6; plus strand). Cytogenetic location: 2p16.3.
Variant type: single nucleotide variant.
Coding change: c.1A>T on transcript NM_000179.3 (MANE Select); coding-DNA position 1, A replaced by T.
Protein change: p.Met1Leu; changes the start codon (methionine 1).
Molecular consequence: missense variant, initiator codon variant. On other transcripts: 5 prime UTR variant (8), non-coding transcript variant (5), intron variant (5).
Genome position (GRCh38, 1-based): chr2:47,783,234, A>T. VCF-style: chr2-47783234-A-T. GRCh37 (hg19) VCF-style: chr2-48010373-A-T.
Other names: c.1A>T, p.Met1Leu (NM_001281492.2, NM_001406795.1, NM_001406796.1 and 9 more transcripts); c.-736A>T (NM_001281493.2, NM_001406811.1); c.-328A>T (NM_001406799.1); c.-55A>T (NM_001406804.1); c.-928A>T (NM_001406807.1); c.-583A>T (NM_001406812.1); c.-994A>T (NM_001406814.1); c.-539A>T (NM_001406816.1); and 3 more; short protein forms M1L.
Identifiers: ClinVar variation 4722609 (VCV004722609.1).